The following is an entry in ClinVar:

ClinVar aggregate classification (germline): Pathogenic. Review status: criteria provided, multiple submitters, no conflicts (2 of 4 stars). 13 submissions from 13 submitters: Pathogenic (12). 1 of the submissions does not count toward it. Last evaluated 2025-09-10.

Conditions:
SPG11-related disorder. Also called: SPG11-related condition.
Charcot-Marie-Tooth disease axonal type 2X. Also called: CHARCOT-MARIE-TOOTH DISEASE, AXONAL, AUTOSOMAL RECESSIVE, TYPE 2X; CHARCOT-MARIE-TOOTH NEUROPATHY, TYPE 2X. Identifiers: Orphanet 466775, MedGen C5569024, MONDO:0014726, OMIM 616668.
Inborn genetic diseases. Identifiers: MedGen C0950123, MeSH D030342.
Hereditary spastic paraplegia. Also called: Familial spastic paraparesis. Identifiers: Orphanet 685, MedGen C0037773, MONDO:0019064. Disease mechanism: loss of function.
Hereditary spastic paraplegia 11. Also called: SPASTIC PARAPLEGIA, AUTOSOMAL RECESSIVE, COMPLICATED, WITH THIN CORPUS CALLOSUM; SPASTIC PARAPLEGIA, AUTOSOMAL RECESSIVE, WITH MENTAL IMPAIRMENT AND THIN CORPUS CALLOSUM; Spastic Paraplegia 11; Spastic paraplegia, mental retardation and thin corpus callosum; Nakamura Osame syndrome; Autosomal recessive hereditary spastic paraplegia, mental impairment, and thin corpus callosum. Identifiers: Orphanet 2822, MedGen C1858479, MONDO:0011445, OMIM 604360.

Allele frequency attached by ClinVar (database versions not stated): TOPMed below 0.00001; gnomAD 0.00001 and below 0.00001; gnomAD exomes 0.00003 and 0.00005; ExAC 0.00004.

Submissions (13):

Genomic Medicine Center of Excellence, King Faisal Specialist Hospital and Research Centre
Classification: Pathogenic for Hereditary spastic paraplegia 11. Last evaluated: 2025-09-10. Review status: criteria provided, single submitter. Criteria: ACMG Guidelines, 2015. Collection method: clinical testing. Allele origin: germline.

Labcorp Genetics (formerly Invitae), Labcorp
Classification: Pathogenic for Hereditary spastic paraplegia 11. Last evaluated: 2025-03-24. Review status: criteria provided, single submitter. Criteria: Invitae Variant Classification Sherloc (09022015). Collection method: clinical testing. Allele origin: germline.
Comment: This sequence change creates a premature translational stop signal (p.Ser1923Argfs*28) in the SPG11 gene. It is expected to result in an absent or disrupted protein product. Loss-of-function variants in SPG11 are known to be pathogenic (PMID: 19105190, 20110243, 22154821, 26556829). This variant is present in population databases (rs312262770, gnomAD 0.04%). This premature translational stop signal has been observed in individuals with hereditary spastic paraplegia (HSP) (PMID: 18079167, 18337587, 22246010, 27217339). It has also been observed to segregate with disease in related individuals. This variant is also known as p.S1923RfsX1950. ClinVar contains an entry for this variant (Variation ID: 41327). Algorithms developed to predict the effect of sequence changes on RNA splicing suggest that this variant may disrupt the consensus splice site. For these reasons, this variant has been classified as Pathogenic.

Center of Human Genetics, Hôpital Erasme
Classification: Pathogenic for Hereditary spastic paraplegia 11. Last evaluated: 2025-01-01. Review status: criteria provided, single submitter. Criteria: ACMG Guidelines, 2015. Collection method: clinical testing. Allele origin: inherited. Affected: yes.

Women's Health and Genetics/Laboratory Corporation of America, LabCorp
Classification: Pathogenic for Hereditary spastic paraplegia. Last evaluated: 2024-06-27. Review status: criteria provided, single submitter. Criteria: LabCorp Variant Classification Summary - May 2015. Collection method: clinical testing. Allele origin: germline.
Comment: Variant summary: SPG11 c.5769delT (p.Ser1923ArgfsX28) results in a premature termination codon, predicted to cause a truncation of the encoded protein or absence of the protein due to nonsense mediated decay, which are commonly known mechanisms for disease. The variant allele was found at a frequency of 5.2e-05 in 251404 control chromosomes. This frequency is not significantly higher than estimated for a pathogenic variant in SPG11 causing Hereditary Spastic Paraplegia, Type 11 (5.2e-05 vs 0.0011), allowing no conclusion about variant significance. c.5769delT has been reported in the literature in multiple individuals affected with Hereditary Spastic Paraplegia, Type 11 (example: Paisan-Ruiz_2008). These data indicate that the variant is very likely to be associated with disease. The following publication has been ascertained in the context of this evaluation (PMID: 18337587). ClinVar contains an entry for this variant (Variation ID: 41327). Based on the evidence outlined above, the variant was classified as pathogenic.

Broad Center for Mendelian Genomics, Broad Institute of MIT and Harvard
Classification: Pathogenic for Charcot-Marie-Tooth disease axonal type 2X. Last evaluated: 2023-01-25. Review status: criteria provided, single submitter. Criteria: ACMG Guidelines, 2015. Collection method: curation. Allele origin: germline. Inheritance: Autosomal recessive inheritance.
Comment: The p.Ser1923ArgfsTer28 variant in SPG11 has been previously reported in 3 unrelated individuals with SPG11-related neurologic disease (PMID: 27457812, PMID: 18337587, PMID: 18079167) and segregated with disease in 4 affected relatives from one family (PMID: 18337587), but has been identified in 0.04% (13/30616) of South Asian chromosomes by the Genome Aggregation Database (gnomAD; dbSNP ID: rs949342628). Although this variant has been seen in the general population in a heterozygous state, its frequency is not high enough to rule out a pathogenic role. These 3 affected unrelated individuals were homozygotes (PMID: 27457812, PMID: 18337587, PMID: 18079167), which increases the likelihood that the p.Ser1923ArgfsTer28 variant is pathogenic. This variant has also been reported in ClinVar (Variation ID: 41327) and has been interpreted as pathogenic by multiple submitters. This variant is predicted to cause a frameshift, which alters the protein‚Äôs amino acid sequence beginning at position 1923 and leads to a premature termination codon 28 amino acids downstream. This alteration is then predicted to lead to a truncated or absent protein. Loss of function of the SPG11 gene is an established disease mechanism in autosomal recessive SPG11-related neurologic disease. In summary, this variant meets criteria to be classified as pathogenic for autosomal recessive SPG11-related neurologic disease. ACMG/AMP Criteria applied: PVS1, PM3, PP1_Moderate (Richards 2015).

Ambry Genetics
Classification: Pathogenic for Inborn genetic diseases. Last evaluated: 2022-07-15. Review status: criteria provided, single submitter. Criteria: Ambry Variant Classification Scheme 2023. Collection method: clinical testing. Allele origin: germline.
Comment: The c.5769delT pathogenic mutation, located in coding exon 30 of the SPG11 gene, results from a deletion of one nucleotide at nucleotide position 5769, causing a translational frameshift with a predicted alternate stop codon (p.S1923Rfs*28). This alteration has been detected in the homozygous state, or in conjunction with another SPG11 truncating alteration, in multiple unrelated individuals with SPG11-related neurologic disorders (Khani M et al. Mol Genet Genomic Med, 2020 07;8:e1240; Zulfiqar S et al. J Clin Neurosci, 2019 Sep;67:19-23; Kara E et al. Brain, 2016 07;139:1904-18; Paisan-Ruiz C et al. Neurology, 2008 Apr;70:1384-9; Wakil SM et al. Neurosciences (Riyadh), 2012 Jan;17:48-52). This alteration is expected to result in loss of function by premature protein truncation or nonsense-mediated mRNA decay. As such, this alteration is interpreted as a disease-causing mutation.

GeneDx
Classification: Pathogenic. Last evaluated: 2022-05-03. Review status: criteria provided, single submitter. Criteria: GeneDx Variant Classification Process June 2021. Collection method: clinical testing. Allele origin: germline. Affected: yes.
Comment: Frameshift variant predicted to result in protein truncation or nonsense mediated decay in a gene for which loss-of-function is a known mechanism of disease; This variant is associated with the following publications: (PMID: 31281085, 18337587, 20301389, 23439843, 27544499, 22246010, 18079167, 27457812, 21779300, 32383541, 26582918, 27535533)

Blueprint Genetics
Classification: Pathogenic for SPG11-related disorders. Last evaluated: 2020-06-03. Review status: criteria provided, single submitter. Criteria: ACMG Guidelines, 2015. Collection method: clinical testing. Allele origin: germline. Affected: yes. Observed: 2 variant alleles.

Genome Diagnostics Laboratory, The Hospital for Sick Children
Classification: Pathogenic for Hereditary spastic paraplegia. Last evaluated: 2020-03-01. Review status: criteria provided, single submitter. Criteria: ACMG Guidelines, 2015. Collection method: clinical testing. Allele origin: germline. Affected: yes.

Revvity Omics, Revvity
Classification: Pathogenic. Last evaluated: 2019-12-05. Review status: criteria provided, single submitter. Criteria: ACMG Guidelines, 2015. Collection method: clinical testing. Allele origin: germline.

Genome-Nilou Lab
Classification: Pathogenic for Hereditary spastic paraplegia 11. Review status: criteria provided, single submitter. Criteria: ACMG Guidelines, 2015. Collection method: clinical testing. Allele origin: germline.

Paris Brain Institute, Inserm - ICM
Classification: Pathogenic for Hereditary spastic paraplegia 11. Review status: criteria provided, single submitter. Criteria: ACMG Guidelines, 2015. Collection method: clinical testing. Allele origin: unknown. Affected: yes. Observed: 2 variant alleles.

GeneReviews
No classification provided. Condition: Hereditary spastic paraplegia 11. Review status: no classification provided. Collection method: literature only. Allele origin: unknown. Not counted in ClinVar's aggregate classification.

Literature cited by the submitters: PubMed 19105190 (cited by Labcorp Genetics (formerly Invitae), Labcorp); PubMed 20110243 (cited by Labcorp Genetics (formerly Invitae), Labcorp); PubMed 22154821 (cited by Labcorp Genetics (formerly Invitae), Labcorp); PubMed 26556829 (cited by Labcorp Genetics (formerly Invitae), Labcorp); PubMed 18079167 (cited by Labcorp Genetics (formerly Invitae), Labcorp and GeneReviews); PubMed 18337587 (cited by 4 submitters); PubMed 22246010 (cited by Labcorp Genetics (formerly Invitae), Labcorp and Ambry Genetics); PubMed 27217339 (cited by Labcorp Genetics (formerly Invitae), Labcorp and Ambry Genetics); PubMed 31281085 (cited by Ambry Genetics); PubMed 32383541 (cited by Ambry Genetics); PubMed 20301389 (cited by GeneReviews); NCBI Bookshelf NBK1210 (cited by GeneReviews).

NM_025137.4(SPG11):c.5769del (p.Ser1923fs)

Gene: SPG11 (SPG11 vesicle trafficking associated, spatacsin; minus strand). Cytogenetic location: 15q21.1.
Variant type: Deletion.
Coding change: c.5769del on transcript NM_025137.4 (MANE Select); coding-DNA position 5769, one base deleted (T; older notation c.5769delT).
Protein change: p.Ser1923fs; shifts the reading frame from serine 1923.
Molecular consequence: frameshift variant.
Genome position (GRCh38, 1-based): chr15:44,583,911, A deleted on the plus strand (T on the coding strand, the reverse complement: SPG11 is on the minus strand). VCF-style (leftmost placement, unchanged base first): chr15-44583910-TA-T. GRCh37 (hg19) VCF-style: chr15-44876108-TA-T.
Other names: NM_025137.4(SPG11):c.5769del; p.Ser1923fs; c.5769del (NM_025137.3); c.5769delT (NM_025137.4); c.5769del, p.Ser1923fs (NM_001160227.2); short protein forms S1923fs.
Identifiers: ClinVar variation 41327 (VCV000041327.33), dbSNP rs312262770, ClinGen allele CA344358.